The following is an entry in ClinVar:

NM_014754.3(PTDSS1):c.946A>C (p.Ser316Arg)

Gene: PTDSS1 (phosphatidylserine synthase 1; plus strand). Cytogenetic location: 8q22.1.
Variant type: single nucleotide variant.
Coding change: c.946A>C on transcript NM_014754.3 (MANE Select); coding-DNA position 946, A replaced by C.
Protein change: p.Ser316Arg; replaces serine 316 with arginine.
Molecular consequence: missense variant.
Genome position (GRCh38, 1-based): chr8:96,306,495, A>C. VCF-style: chr8-96306495-A-C. GRCh37 (hg19) VCF-style: chr8-97318723-A-C.
Other names: c.508A>C, p.Ser170Arg (NM_001290225.2); c.946A>C (NM_014754.2); short protein forms S170R, S316R.
Identifiers: ClinVar variation 3220654 (VCV003220654.2), dbSNP rs2488158743, ClinGen allele CA371757410.

ClinVar aggregate classification (germline): Uncertain significance. Review status: criteria provided, multiple submitters, no conflicts (2 of 4 stars). 2 submissions from 2 submitters: Uncertain significance (2). Last evaluated 2024-01-03.

Conditions:
Inborn genetic diseases. Identifiers: MedGen C0950123, MeSH D030342.

Submissions (2):

Ambry Genetics
Classification: Uncertain significance for Inborn genetic diseases. Last evaluated: 2024-01-03. Review status: criteria provided, single submitter. Criteria: Ambry Variant Classification Scheme 2023. Collection method: clinical testing. Allele origin: germline.

GeneDx
Classification: Uncertain significance. Last evaluated: 2023-12-28. Review status: criteria provided, single submitter. Criteria: GeneDx Variant Classification Process June 2021. Collection method: clinical testing. Allele origin: germline. Affected: yes.
Comment: Not observed at significant frequency in large population cohorts (gnomAD); In silico analysis supports that this missense variant has a deleterious effect on protein structure/function; Has not been previously published as pathogenic or benign to our knowledge